The following is an entry in ClinVar:

NM_000059.4(BRCA2):c.5387A>G (p.Asp1796Gly)

Gene: BRCA2 (BRCA2 DNA repair associated; plus strand). Cytogenetic location: 13q13.1.
Variant type: single nucleotide variant.
Coding change: c.5387A>G on transcript NM_000059.4 (MANE Select); coding-DNA position 5387, A replaced by G.
Protein change: p.Asp1796Gly; replaces aspartic acid 1796 with glycine.
Molecular consequence: missense variant. On other transcripts: non-coding transcript variant (1), intron variant (2).
Genome position (GRCh38, 1-based): chr13:32,339,742, A>G. VCF-style: chr13-32339742-A-G. GRCh37 (hg19) VCF-style: chr13-32913879-A-G.
Other names: c.5387A>G, p.Asp1796Gly (NM_001406719.1, NM_001406720.1); c.1910-4816A>G (NM_001406721.1); c.425-4816A>G (NM_001406722.1); short protein forms D1796G.
Identifiers: ClinVar variation 3227399 (VCV003227399.4), dbSNP rs2137517026, ClinGen allele CA387785244.

ClinVar aggregate classification (germline): Conflicting classifications of pathogenicity. Review status: criteria provided, conflicting classifications (1 of 4 stars). 2 submissions from 2 submitters: Uncertain significance (1); Likely benign (1). Last evaluated 2025-04-25.

Conditions:
Hereditary cancer-predisposing syndrome. Also called: Neoplastic Syndromes, Hereditary; Tumor predisposition; Hereditary neoplastic syndrome; Hereditary Cancer Syndrome. Identifiers: Orphanet 140162, MedGen C0027672, MeSH D009386, MONDO:0015356.
Hereditary breast ovarian cancer syndrome. Also called: Hereditary breast and ovarian cancer syndrome (HBOC); Breast and ovarian cancer; Hereditary breast and/or ovarian cancer syndrome; BRCA1- and BRCA2-Associated Hereditary Breast and Ovarian Cancer; Hereditary breast and ovarian cancer syndrome; Hereditary breast and ovarian cancer. Identifiers: Orphanet 145, MedGen C0677776, MeSH D061325, MONDO:0003582. Disease mechanism: loss of function.

Submissions (2):

Ambry Genetics
Classification: Likely benign for Hereditary cancer-predisposing syndrome. Last evaluated: 2025-04-25. Review status: criteria provided, single submitter. Criteria: Ambry Variant Classification Scheme 2023. Collection method: clinical testing. Allele origin: germline.

Labcorp Genetics (formerly Invitae), Labcorp
Classification: Uncertain significance for Hereditary breast ovarian cancer syndrome. Last evaluated: 2025-04-07. Review status: criteria provided, single submitter. Criteria: Invitae Variant Classification Sherloc (09022015). Collection method: clinical testing. Allele origin: germline.
Comment: This sequence change replaces aspartic acid, which is acidic and polar, with glycine, which is neutral and non-polar, at codon 1796 of the BRCA2 protein (p.Asp1796Gly). This variant is not present in population databases (gnomAD no frequency). This variant has not been reported in the literature in individuals affected with BRCA2-related conditions. ClinVar contains an entry for this variant (Variation ID: 3227399). Invitae Evidence Modeling of protein sequence and biophysical properties (such as structural, functional, and spatial information, amino acid conservation, physicochemical variation, residue mobility, and thermodynamic stability) indicates that this missense variant is not expected to disrupt BRCA2 protein function with a negative predictive value of 95%. In summary, the available evidence is currently insufficient to determine the role of this variant in disease. Therefore, it has been classified as a Variant of Uncertain Significance.